The following is an entry in ClinVar:

ClinVar aggregate classification (germline): Conflicting classifications of pathogenicity. Review status: criteria provided, conflicting classifications (1 of 4 stars). 5 submissions from 5 submitters: Uncertain significance (1); Likely benign (3). 1 of the submissions does not count toward it. Last evaluated 2025-06-07.

Conditions:
SYNE2-related disorder. Also called: SYNE2-related condition.
Emery-Dreifuss muscular dystrophy 5, autosomal dominant (EDMD5). Also called: EMERY-DREIFUSS MUSCULAR DYSTROPHY 5. Identifiers: Orphanet 261, MedGen C2751805, MONDO:0013072, OMIM 612999.

Allele frequency attached by ClinVar (database versions not stated): gnomAD exomes 0.00011 and 0.00035; ExAC 0.00050; 1000 Genomes Project 0.00100; gnomAD 0.00121 and 0.00131; 1000 Genomes Project 30x 0.00125; TOPMed 0.00140; ESP Exome Variant Server 0.00162.
gnomAD v4.1: 354 of 1,613,236 alleles (0.022%); highest among the groups gnomAD compares: African/African-American, 0.42%; 1 homozygote.

Submissions (5):

Labcorp Genetics (formerly Invitae), Labcorp
Classification: Likely benign for Emery-Dreifuss muscular dystrophy 5, autosomal dominant. Last evaluated: 2025-06-07. Review status: criteria provided, single submitter. Criteria: Invitae Variant Classification Sherloc (09022015). Collection method: clinical testing. Allele origin: germline.

Blueprint Genetics
Classification: Likely benign. Last evaluated: 2024-11-27. Review status: criteria provided, single submitter. Criteria: ACMG Guidelines, 2015. Collection method: clinical testing. Allele origin: germline.

Revvity Omics, Revvity
Classification: Uncertain significance for Emery-Dreifuss muscular dystrophy 5, autosomal dominant. Last evaluated: 2019-07-25. Review status: criteria provided, single submitter. Criteria: ACMG Guidelines, 2015. Collection method: clinical testing. Allele origin: germline.

Breakthrough Genomics
Classification: Likely benign. Review status: criteria provided, single submitter. Criteria: ACMG Guidelines, 2015. Collection method: not provided. Allele origin: germline. Inheritance: Autosomal dominant inheritance. Affected: yes.

PreventionGenetics, part of Exact Sciences
Classification: Benign for SYNE2-related condition. Last evaluated: 2019-07-11. Review status: no assertion criteria provided. Collection method: clinical testing. Allele origin: germline. Not counted in ClinVar's aggregate classification.
Comment: This variant is classified as benign based on ACMG/AMP sequence variant interpretation guidelines (Richards et al. 2015 PMID: 25741868, with internal and published modifications).

NM_182914.3(SYNE2):c.1447G>A (p.Glu483Lys)

Gene: SYNE2 (spectrin repeat containing nuclear envelope protein 2; plus strand). Cytogenetic location: 14q23.2.
Variant type: single nucleotide variant.
Coding change: c.1447G>A on transcript NM_182914.3 (MANE Select); coding-DNA position 1447, G replaced by A.
Protein change: p.Glu483Lys; replaces glutamic acid 483 with lysine.
Molecular consequence: missense variant.
Genome position (GRCh38, 1-based): chr14:63,978,892, G>A. VCF-style: chr14-63978892-G-A. GRCh37 (hg19) VCF-style: chr14-64445610-G-A.
Other names: c.1447G>A, p.Glu483Lys (NM_015180.6); short protein forms E483K.
Identifiers: ClinVar variation 702774 (VCV000702774.17), dbSNP rs200611311, ClinGen allele CA7219441.